The following is an entry in ClinVar:

ClinVar aggregate classification (germline): Conflicting classifications of pathogenicity. Review status: criteria provided, conflicting classifications (1 of 4 stars). 3 submissions from 3 submitters: Uncertain significance (2); Likely benign (1). Last evaluated 2025-05-03.

Conditions:
Long QT syndrome 11 (LQT11). Identifiers: Orphanet 101016, Orphanet 768, MedGen C2678483, MONDO:0012738, OMIM 611820.
Cardiovascular phenotype. Identifiers: MedGen CN230736.
Long QT syndrome (LQTS). Identifiers: MedGen C0023976, MeSH D008133, MONDO:0002442. Disease mechanism: loss of function. Inheritance: Various modes of inheritance.

Allele frequency attached by ClinVar (database versions not stated): gnomAD exomes 0.00001 and 0.00003; gnomAD 0.00002 and 0.00003; TOPMed 0.00006.
gnomAD v4.1: 19 of 1,613,892 alleles (0.0012%); highest among the groups gnomAD compares: Admixed American, 0.017%; no homozygotes.

Submissions (3):

Ambry Genetics
Classification: Likely benign for Cardiovascular phenotype. Last evaluated: 2025-05-03. Review status: criteria provided, single submitter. Criteria: Ambry Variant Classification Scheme 2023. Collection method: clinical testing. Allele origin: germline.

Labcorp Genetics (formerly Invitae), Labcorp
Classification: Uncertain significance for Long QT syndrome. Last evaluated: 2023-05-29. Review status: criteria provided, single submitter. Criteria: Invitae Variant Classification Sherloc (09022015). Collection method: clinical testing. Allele origin: germline.
Comment: ClinVar contains an entry for this variant (Variation ID: 1403793). This sequence change replaces isoleucine, which is neutral and non-polar, with valine, which is neutral and non-polar, at codon 2455 of the AKAP9 protein (p.Ile2455Val). This variant is present in population databases (no rsID available, gnomAD 0.02%). This variant has not been reported in the literature in individuals affected with AKAP9-related conditions. In summary, the available evidence is currently insufficient to determine the role of this variant in disease. Therefore, it has been classified as a Variant of Uncertain Significance. Algorithms developed to predict the effect of missense changes on protein structure and function output the following: SIFT: "Not Available"; PolyPhen-2: "Benign"; Align-GVGD: "Not Available". The valine amino acid residue is found in multiple mammalian species, which suggests that this missense change does not adversely affect protein function.

Fulgent Genetics
Classification: Uncertain significance for Long QT syndrome 11. Last evaluated: 2021-07-26. Review status: criteria provided, single submitter. Criteria: ACMG Guidelines, 2015. Collection method: clinical testing. Allele origin: unknown.

NM_005751.5(AKAP9):c.7363A>G (p.Ile2455Val)

Gene: AKAP9 (A-kinase anchoring protein 9; plus strand). Cytogenetic location: 7q21.2.
Variant type: single nucleotide variant.
Coding change: c.7363A>G on transcript NM_005751.5 (MANE Select); coding-DNA position 7363, A replaced by G.
Protein change: p.Ile2455Val; replaces isoleucine 2455 with valine.
Molecular consequence: missense variant.
Genome position (GRCh38, 1-based): chr7:92,079,496, A>G. VCF-style: chr7-92079496-A-G. GRCh37 (hg19) VCF-style: chr7-91708810-A-G.
Other names: c.2008A>G, p.Ile670Val (NM_001379277.1); c.7339A>G, p.Ile2447Val (NM_147185.3); c.7363A>G (NM_005751.4); short protein forms I2447V, I2455V, I670V.
Identifiers: ClinVar variation 1403793 (VCV001403793.8), dbSNP rs905116504, ClinGen allele CA161885427.